The following is an entry in ClinVar:

NM_000052.7(ATP7A):c.4071A>G (p.Ile1357Met)

Gene: ATP7A (ATPase copper transporting alpha; plus strand). Cytogenetic location: Xq21.1.
Variant type: single nucleotide variant.
Coding change: c.4071A>G on transcript NM_000052.7 (MANE Select); coding-DNA position 4071, A replaced by G.
Protein change: p.Ile1357Met; replaces isoleucine 1357 with methionine.
Molecular consequence: missense variant. On other transcripts: non-coding transcript variant (1).
Genome position (GRCh38, 1-based): chrX:78,043,382, A>G. VCF-style: chrX-78043382-A-G. GRCh37 (hg19) VCF-style: chrX-77298880-A-G.
Other names: c.3837A>G, p.Ile1279Met (NM_001282224.2); short protein forms I1279M, I1357M.
Identifiers: ClinVar variation 3760577 (VCV003760577.2).

ClinVar aggregate classification (germline): Uncertain significance (1 of 4 stars; one submission).

Conditions:
Menkes kinky-hair syndrome (MNK). Also called: Copper transport disease; Menkes Disease; Classic Menkes Disease. Identifiers: Orphanet 565, MedGen C0022716, MONDO:0010651, OMIM 309400.
X-linked distal spinal muscular atrophy type 3. Also called: ATP7A-Related Distal Motor Neuropathy; SPINAL MUSCULAR ATROPHY, DISTAL, X-LINKED RECESSIVE; NEURONOPATHY, DISTAL HEREDITARY MOTOR, X-LINKED; NEUROPATHY, DISTAL HEREDITARY MOTOR, X-LINKED. Identifiers: Orphanet 139557, MedGen C1845359, MONDO:0010338, OMIM 300489.
Cutis laxa, X-linked (OHS). Also called: EDS IX; Occipital horn syndrome. Identifiers: Orphanet 198, MedGen C0268353, MONDO:0010572, OMIM 304150.

gnomAD v4.1: 3 of 1,208,401 alleles (0.00025%); highest among the groups gnomAD compares: Admixed American, 0.0044%; no homozygotes.

Submission:

Labcorp Genetics (formerly Invitae), Labcorp
Classification: Uncertain significance for X-linked distal spinal muscular atrophy type 3; Cutis laxa, X-linked; Menkes kinky-hair syndrome. Last evaluated: 2025-11-23. Review status: criteria provided, single submitter. Criteria: Invitae Variant Classification Sherloc (09022015). Collection method: clinical testing. Allele origin: germline.
Comment: This sequence change replaces isoleucine, which is neutral and non-polar, with methionine, which is neutral and non-polar, at codon 1357 of the ATP7A protein (p.Ile1357Met). This variant is not present in population databases (gnomAD no frequency). This variant has not been reported in the literature in individuals affected with ATP7A-related conditions. ClinVar contains an entry for this variant (Variation ID: 3760577). Invitae Evidence Modeling of protein sequence and biophysical properties (such as structural, functional, and spatial information, amino acid conservation, physicochemical variation, residue mobility, and thermodynamic stability) indicates that this missense variant is not expected to disrupt ATP7A protein function with a negative predictive value of 95%. In summary, the available evidence is currently insufficient to determine the role of this variant in disease. Therefore, it has been classified as a Variant of Uncertain Significance.